The following is an entry in ClinVar:

NM_015570.4(AUTS2):c.221G>A (p.Arg74Gln)

Gene: AUTS2 (activator of transcription and developmental regulator AUTS2; plus strand). Cytogenetic location: 7q11.22.
Variant type: single nucleotide variant.
Coding change: c.221G>A on transcript NM_015570.4 (MANE Select); coding-DNA position 221, G replaced by A.
Protein change: p.Arg74Gln; replaces arginine 74 with glutamine.
Molecular consequence: missense variant.
Genome position (GRCh38, 1-based): chr7:69,599,874, G>A. VCF-style: chr7-69599874-G-A. GRCh37 (hg19) VCF-style: chr7-69064860-G-A.
Other names: c.221G>A, p.Arg74Gln (NM_001127231.3, NM_001127232.3); short protein forms R74Q.
Identifiers: ClinVar variation 2574465 (VCV002574465.4), dbSNP rs1792282066, ClinGen allele CA367703092.

ClinVar aggregate classification (germline): Uncertain significance. Review status: criteria provided, multiple submitters, no conflicts (2 of 4 stars). 2 submissions from 2 submitters: Uncertain significance (2). Last evaluated 2023-11-24.

Allele frequency attached by ClinVar (database versions not stated): gnomAD exomes below 0.00001; TOPMed below 0.00001.
gnomAD v4.1: 1 of 1,613,340 alleles (0.000062%); highest among the groups gnomAD compares: Non-Finnish European, 0.000085%; no homozygotes.

Submissions (2):

Labcorp Genetics (formerly Invitae), Labcorp
Classification: Uncertain significance. Last evaluated: 2023-11-24. Review status: criteria provided, single submitter. Criteria: Invitae Variant Classification Sherloc (09022015). Collection method: clinical testing. Allele origin: germline.
Comment: This sequence change replaces arginine, which is basic and polar, with glutamine, which is neutral and polar, at codon 74 of the AUTS2 protein (p.Arg74Gln). This variant is not present in population databases (gnomAD no frequency). This variant has not been reported in the literature in individuals affected with AUTS2-related conditions. ClinVar contains an entry for this variant (Variation ID: 2574465). An algorithm developed to predict the effect of missense changes on protein structure and function (PolyPhen-2) suggests that this variant is likely to be disruptive. In summary, the available evidence is currently insufficient to determine the role of this variant in disease. Therefore, it has been classified as a Variant of Uncertain Significance.

GeneDx
Classification: Uncertain significance. Last evaluated: 2023-01-27. Review status: criteria provided, single submitter. Criteria: GeneDx Variant Classification Process June 2021. Collection method: clinical testing. Allele origin: germline. Affected: yes.
Comment: Not observed at significant frequency in large population cohorts (gnomAD); In silico analysis supports that this missense variant has a deleterious effect on protein structure/function; Has not been previously published as pathogenic or benign to our knowledge